The following is an entry in ClinVar:

ClinVar aggregate classification (germline): Conflicting classifications of pathogenicity. Review status: criteria provided, conflicting classifications (1 of 4 stars). 9 submissions from 8 submitters: Uncertain significance (1); Benign (1); Likely benign (5). 2 of the submissions do not count toward it. Last evaluated 2026-02-04.

Conditions:
Glycogen storage disease IV, classic hepatic. Also called: GSD IV, CLASSIC HEPATIC. Identifiers: MedGen C1856301.
Glycogen storage disease, type IV (GSD4). Also called: Glycogen storage disease due to glycogen branching enzyme deficiency; GBE1 DEFICIENCY; GLYCOGEN BRANCHING ENZYME DEFICIENCY; GLYCOGENOSIS IV; GSD IV; AMYLOPECTINOSIS. Identifiers: Orphanet 367, MedGen C0017923, MONDO:0009292, OMIM 232500.
Adult polyglucosan body disease (APBN). Also called: GBE1-Adult Polyglucosan Body Disease; POLYGLUCOSAN BODY DISEASE, ADULT FORM. Identifiers: Orphanet 206583, MedGen C1849722, MONDO:0009897, OMIM 263570.

Allele frequency attached by ClinVar (database versions not stated): gnomAD 0.00006; TOPMed 0.00010; gnomAD exomes 0.00039 and 0.00059; ExAC 0.00118; 1000 Genomes Project 0.00120; 1000 Genomes Project 30x 0.00125.
gnomAD v4.1: 589 of 1,590,050 alleles (0.037%); highest among the groups gnomAD compares: South Asian, 0.39%; 9 homozygotes.

Submissions (9):

Labcorp Genetics (formerly Invitae), Labcorp
Classification: Benign for Glycogen storage disease, type IV; Glycogen storage disease IV, classic hepatic. Last evaluated: 2026-02-04. Review status: criteria provided, single submitter. Criteria: Invitae Variant Classification Sherloc (09022015). Collection method: clinical testing. Allele origin: germline.

Blueprint Genetics
Classification: Likely benign. Last evaluated: 2024-11-19. Review status: criteria provided, single submitter. Criteria: ACMG Guidelines, 2015. Collection method: clinical testing. Allele origin: germline.

CeGaT Center for Human Genetics Tuebingen
Classification: Likely benign. Last evaluated: 2022-05-01. Review status: criteria provided, single submitter. Criteria: CeGaT Center For Human Genetics Tuebingen Variant Classification Criteria Version 2. Collection method: clinical testing. Allele origin: germline. Affected: yes. Observed: 2 variant alleles.
Comment: GBE1: BP4, BS2

Genome-Nilou Lab
Classification: Uncertain significance for Glycogen storage disease, type IV. Last evaluated: 2021-05-18. Review status: criteria provided, single submitter. Criteria: ACMG Guidelines, 2015. Collection method: clinical testing. Allele origin: germline. Affected: no.

GeneDx
Classification: Likely benign. Last evaluated: 2019-11-14. Review status: criteria provided, single submitter. Criteria: GeneDx Variant Classification Process June 2021. Collection method: clinical testing. Allele origin: germline. Affected: yes.

Illumina Laboratory Services, Illumina
Classification: Likely benign for Glycogen storage disease, type IV. Last evaluated: 2018-01-13. Review status: criteria provided, single submitter. Criteria: ICSL Variant Classification Criteria 13 December 2019. Collection method: clinical testing. Allele origin: germline.
Comment: This variant was observed in the ICSL laboratory as part of a predisposition screen in an ostensibly healthy population. It had not been previously curated by ICSL or reported in the Human Gene Mutation Database (HGMD: prior to June 1st, 2018), and was therefore a candidate for classification through an automated scoring system. Utilizing variant allele frequency, disease prevalence and penetrance estimates, and inheritance mode, an automated score was calculated to assess if this variant is too frequent to cause the disease. Based on the score and internal cut-off values, a variant classified as likely benign is not then subjected to further curation. The score for this variant resulted in a classification of likely benign for this disease.

Illumina Laboratory Services, Illumina
Classification: Likely benign for Adult polyglucosan body disease. Last evaluated: 2018-01-13. Review status: criteria provided, single submitter. Criteria: ICSL Variant Classification Criteria 13 December 2019. Collection method: clinical testing. Allele origin: germline.
Comment: the same text as in the submission from Illumina Laboratory Services, Illumina above.

Natera, Inc.
Classification: Benign for Glycogen storage disease type IV. Last evaluated: 2020-06-04. Review status: no assertion criteria provided. Collection method: clinical testing. Allele origin: germline. Not counted in ClinVar's aggregate classification.

Department of Pathology and Laboratory Medicine, Sinai Health System
Classification: Likely benign. Review status: no assertion criteria provided. Collection method: clinical testing. Allele origin: unknown. Affected: yes. Study: The Canadian Open Genetics Repository (COGR). Not counted in ClinVar's aggregate classification.
Comment: The GBE1 p.Arg679Cys variant was not identified in the literature but was identified in dbSNP (ID: rs202158511) and ClinVar (classified as uncertain significance by Illumina and as benign by Invitae). The variant was identified in control databases in 145 of 273980 chromosomes (2 homozygous) at a frequency of 0.0005292 increasing the likelihood this could be a low frequency benign variant (Genome Aggregation Database March 6, 2019, v2.1.1). The variant was observed in the following populations: South Asian in 121 of 29454 chromosomes (freq: 0.004108), East Asian in 4 of 19138 chromosomes (freq: 0.000209), Latino in 7 of 34592 chromosomes (freq: 0.000202), Other in 1 of 6970 chromosomes (freq: 0.000144) and European (non-Finnish) in 12 of 125122 chromosomes (freq: 0.000096), but was not observed in the African, Ashkenazi Jewish, or European (Finnish) populations. The p.Arg679 residue is not conserved in mammals and computational analyses (PolyPhen-2, SIFT, AlignGVGD, BLOSUM, MutationTaster) provide inconsistent predictions regarding the impact to the protein; this information is not very predictive of pathogenicity. The variant occurs outside of the splicing consensus sequence and in silico or computational prediction software programs (SpliceSiteFinder, MaxEntScan, NNSPLICE, GeneSplicer) do not predict a difference in splicing. In summary, based on the above information the clinical significance of this variant cannot be determined with certainty at this time although we would lean towards a more benign role for this variant. This variant is classified as likely benign.

NM_000158.4(GBE1):c.2035C>T (p.Arg679Cys)

Gene: GBE1 (1,4-alpha-glucan branching enzyme 1; minus strand). Cytogenetic location: 3p12.2.
Variant type: single nucleotide variant.
Coding change: c.2035C>T on transcript NM_000158.4 (MANE Select); coding-DNA position 2035, C replaced by T.
Protein change: p.Arg679Cys; replaces arginine 679 with cysteine.
Molecular consequence: missense variant.
Genome position (GRCh38, 1-based): chr3:81,499,127, G>A on the plus strand (C>T on the coding strand, the complement: GBE1 is on the minus strand). VCF-style: chr3-81499127-G-A. GRCh37 (hg19) VCF-style: chr3-81548278-G-A.
Other names: short protein forms R679C.
Identifiers: ClinVar variation 346783 (VCV000346783.56), dbSNP rs202158511, ClinGen allele CA2499484.